The following is an entry in ClinVar:

ClinVar aggregate classification (germline): Uncertain significance (1 of 4 stars; one submission).

Allele frequency attached by ClinVar (database versions not stated): ExAC 0.00001.
gnomAD v4.1: 35 of 1,613,730 alleles (0.0022%); highest among the groups gnomAD compares: Non-Finnish European, 0.003%; no homozygotes.

Submission:

Labcorp Genetics (formerly Invitae), Labcorp
Classification: Uncertain significance. Last evaluated: 2022-01-04. Review status: criteria provided, single submitter. Criteria: Invitae Variant Classification Sherloc (09022015). Collection method: clinical testing. Allele origin: germline.
Comment: This sequence change replaces arginine, which is basic and polar, with glycine, which is neutral and non-polar, at codon 52 of the RNASEH1 protein (p.Arg52Gly). This variant is present in population databases (rs552205074, gnomAD 0.004%). This variant has not been reported in the literature in individuals affected with RNASEH1-related conditions. Algorithms developed to predict the effect of missense changes on protein structure and function are either unavailable or do not agree on the potential impact of this missense change (SIFT: "Tolerated"; PolyPhen-2: "Probably Damaging"; Align-GVGD: "Class C0"). In summary, the available evidence is currently insufficient to determine the role of this variant in disease. Therefore, it has been classified as a Variant of Uncertain Significance.

NM_002936.6(RNASEH1):c.154C>G (p.Arg52Gly)

Gene: RNASEH1 (ribonuclease H1; minus strand). Cytogenetic location: 2p25.3.
Variant type: single nucleotide variant.
Coding change: c.154C>G on transcript NM_002936.6 (MANE Select); coding-DNA position 154, C replaced by G.
Protein change: p.Arg52Gly; replaces arginine 52 with glycine.
Molecular consequence: missense variant. On other transcripts: 5 prime UTR variant (1), non-coding transcript variant (6).
Genome position (GRCh38, 1-based): chr2:3,556,879, G>C on the plus strand (C>G on the coding strand, the complement: RNASEH1 is on the minus strand). VCF-style: chr2-3556879-G-C. GRCh37 (hg19) VCF-style: chr2-3604469-G-C.
Other names: c.76C>G, p.Arg26Gly (NM_001286834.3); c.-198C>G (NM_001286837.3); c.154C>G, p.Arg52Gly (NM_001378271.1, NM_001378272.1, NM_001378273.1); short protein forms R26G, R52G.
Identifiers: ClinVar variation 2064628 (VCV002064628.1), dbSNP rs552205074, ClinGen allele CA1516395.
Genomic context (GRCh38, chr2:3,556,879, plus strand): 5'-TGACAAAGGCCCAGGCCTCATCCTCTGTGGCAAACTTCTTAAATCTGGCAGCAGGAAACC[G>C]GTCCACCTGTGCTCTGCACTCATTCCTGGAAAAGATGTGCAATGTTATTTCCTTCTTCCT-3'
Protein context (NP_002927.2, residues 42-62): TWNECRAQVD[Arg52Gly]FPAARFKKFA